The following is an entry in ClinVar:

ClinVar aggregate classification (germline): Pathogenic (1 of 4 stars; one submission).

Conditions:
Gnathodiaphyseal dysplasia (GDD). Also called: GNATHODIAPHYSEAL SCLEROSIS; OSTEOGENESIS IMPERFECTA WITH UNUSUAL SKELETAL LESIONS. Identifiers: Orphanet 53697, MedGen C1833736, MONDO:0008151, OMIM 166260.
Autosomal recessive limb-girdle muscular dystrophy type 2L (LGMDR12). Also called: Limb-girdle muscular dystrophy, type 2L; MUSCULAR DYSTROPHY, LIMB-GIRDLE, AUTOSOMAL RECESSIVE 12; Limb-Girdle Muscular Dystrophy R12 Anoctamin-5-Related (LGMD-R12). Identifiers: Orphanet 206549, MedGen C1969785, MONDO:0012652, OMIM 611307.

Submission:

Labcorp Genetics (formerly Invitae), Labcorp
Classification: Pathogenic for Autosomal recessive limb-girdle muscular dystrophy type 2L; Gnathodiaphyseal dysplasia. Last evaluated: 2021-09-02. Review status: criteria provided, single submitter. Criteria: Invitae Variant Classification Sherloc (09022015). Collection method: clinical testing. Allele origin: germline.
Comment: For these reasons, this variant has been classified as Pathogenic. This sequence change creates a premature translational stop signal (p.Tyr246*) in the ANO5 gene. It is expected to result in an absent or disrupted protein product. Loss-of-function variants in ANO5 are known to be pathogenic (PMID: 21186264, 23606453, 25891276, 30919934). This variant is not present in population databases (ExAC no frequency). This variant has not been reported in the literature in individuals affected with ANO5-related conditions. Algorithms developed to predict the effect of sequence changes on RNA splicing suggest that this variant may create or strengthen a splice site.

Literature cited by the submitters: PubMed 21186264; PubMed 23606453; PubMed 25891276; PubMed 30919934.

NM_213599.3(ANO5):c.738C>G (p.Tyr246Ter)

Gene: ANO5 (anoctamin 5; plus strand). Cytogenetic location: 11p14.3.
Variant type: single nucleotide variant.
Coding change: c.738C>G on transcript NM_213599.3 (MANE Select); coding-DNA position 738, C replaced by G.
Protein change: p.Tyr246Ter; replaces tyrosine 246 with a stop codon.
Molecular consequence: nonsense.
Genome position (GRCh38, 1-based): chr11:22,236,252, C>G. VCF-style: chr11-22236252-C-G. GRCh37 (hg19) VCF-style: chr11-22257798-C-G.
Other names: c.735C>G, p.Tyr245Ter (NM_001142649.2); short protein forms Y245*, Y246*.
Identifiers: ClinVar variation 1460312 (VCV001460312.6), dbSNP rs570341380, ClinGen allele CA379920304.